The following is an entry in ClinVar:

ClinVar aggregate classification (germline): Uncertain significance (1 of 4 stars; one submission).

Conditions:
Progressive sclerosing poliodystrophy (MTDPS4A). Also called: Mitochondrial DNA depletion syndrome 4A (Alpers type); ALPERS PROGRESSIVE INFANTILE POLIODYSTROPHY; NEURONAL DEGENERATION OF CHILDHOOD WITH LIVER DISEASE, PROGRESSIVE; Mitochondrial DNA Depletion Syndrome 4A; Alpers-Huttenlocher Syndrome (AHS); Alpers Syndrome. Identifiers: Orphanet 726, MedGen C0205710, MONDO:0008758, OMIM 203700.

gnomAD v4.1: 2 of 1,614,186 alleles (0.00012%); highest among the groups gnomAD compares: Non-Finnish European, 0.00017%; no homozygotes.

Submission:

Labcorp Genetics (formerly Invitae), Labcorp
Classification: Uncertain significance for Progressive sclerosing poliodystrophy. Last evaluated: 2021-06-13. Review status: criteria provided, single submitter. Criteria: Invitae Variant Classification Sherloc (09022015). Collection method: clinical testing. Allele origin: germline.
Comment: This variant is not present in population databases (ExAC no frequency). This sequence change replaces valine with leucine at codon 1005 of the POLG protein (p.Val1005Leu). The valine residue is moderately conserved and there is a small physicochemical difference between valine and leucine. This variant has not been reported in the literature in individuals with POLG-related conditions. In summary, the available evidence is currently insufficient to determine the role of this variant in disease. Therefore, it has been classified as a Variant of Uncertain Significance. Algorithms developed to predict the effect of missense changes on protein structure and function output the following: SIFT: "Deleterious"; PolyPhen-2: "Benign"; Align-GVGD: "Class C0". The leucine amino acid residue is found in multiple mammalian species, suggesting that this missense change does not adversely affect protein function. These predictions have not been confirmed by published functional studies and their clinical significance is uncertain.

NM_002693.3(POLG):c.3013G>T (p.Val1005Leu)

Gene: POLG (DNA polymerase gamma, catalytic subunit; minus strand). Cytogenetic location: 15q26.1.
Variant type: single nucleotide variant.
Coding change: c.3013G>T on transcript NM_002693.3 (MANE Select); coding-DNA position 3013, G replaced by T.
Protein change: p.Val1005Leu; replaces valine 1005 with leucine.
Molecular consequence: missense variant.
Genome position (GRCh38, 1-based): chr15:89,319,319, C>A on the plus strand (G>T on the coding strand, the complement: POLG is on the minus strand). VCF-style: chr15-89319319-C-A. GRCh37 (hg19) VCF-style: chr15-89862550-C-A.
Other names: c.3013G>T, p.Val1005Leu (NM_001126131.2); short protein forms V1005L.
Identifiers: ClinVar variation 1498107 (VCV001498107.8), dbSNP rs2152059818, ClinGen allele CA393751436.